The following is an entry in ClinVar:

ClinVar aggregate classification (germline): Uncertain significance. Review status: criteria provided, multiple submitters, no conflicts (2 of 4 stars). 2 submissions from 2 submitters: Uncertain significance (2). Last evaluated 2024-11-05.

Allele frequency attached by ClinVar (database versions not stated): gnomAD exomes 0.00006; TOPMed 0.00007; gnomAD 0.00008 and 0.00009; ExAC 0.00015.
gnomAD v4.1: 171 of 1,583,642 alleles (0.011%); highest among the groups gnomAD compares: Non-Finnish European, 0.013%; no homozygotes.

Submissions (3):

Labcorp Genetics (formerly Invitae), Labcorp
Classification: Uncertain significance. Last evaluated: 2024-11-05. Review status: criteria provided, single submitter. Criteria: Invitae Variant Classification Sherloc (09022015). Collection method: clinical testing. Allele origin: germline.
Comment: This sequence change falls in intron 12 of the PROM1 gene. It does not directly change the encoded amino acid sequence of the PROM1 protein. It affects a nucleotide within the consensus splice site. This variant is present in population databases (rs749377148, gnomAD 0.01%). This variant has not been reported in the literature in individuals affected with PROM1-related conditions. ClinVar contains an entry for this variant (Variation ID: 1017253). Variants that disrupt the consensus splice site are a relatively common cause of aberrant splicing (PMID: 17576681, 9536098). Algorithms developed to predict the effect of sequence changes on RNA splicing suggest that this variant may disrupt the consensus splice site. In summary, the available evidence is currently insufficient to determine the role of this variant in disease. Therefore, it has been classified as a Variant of Uncertain Significance.

Blueprint Genetics
Classification: Uncertain significance. Last evaluated: 2024-09-24. Review status: criteria provided, single submitter. Criteria: ACMG Guidelines, 2015. Collection method: clinical testing. Allele origin: germline.

Dr. Peter K. Rogan Lab, Western University
No classification provided (evidence only). Condition: Acute myeloid leukemia. Review status: no classification provided. Collection method: in vitro. Allele origin: not applicable. Functional consequence: skipped exon, retained intron. Not counted in ClinVar's aggregate classification.

Literature cited by the submitters: PubMed 17576681 (cited by Labcorp Genetics (formerly Invitae), Labcorp); PubMed 9536098 (cited by Labcorp Genetics (formerly Invitae), Labcorp).

NM_006017.3(PROM1):c.1454+4A>G

Gene: PROM1 (prominin 1; minus strand). Cytogenetic location: 4p15.32.
Variant type: single nucleotide variant.
Coding change: c.1454+4A>G on transcript NM_006017.3 (MANE Select); 4 bases into the intron after coding-DNA position 1454, A replaced by G.
Molecular consequence: intron variant.
Genome position (GRCh38, 1-based): chr4:16,006,534, T>C on the plus strand (A>G on the coding strand, the complement: PROM1 is on the minus strand). VCF-style: chr4-16006534-T-C. GRCh37 (hg19) VCF-style: chr4-16008157-T-C.
Other names: c.1454+4A>G (NM_001145849.2, NM_001145850.2); c.1427+4A>G (NM_001371407.1, NM_001145851.2, NM_001145848.2 and 4 more transcripts).
Identifiers: ClinVar variation 1017253 (VCV001017253.10), dbSNP rs749377148, ClinGen allele CA2866767.
Genomic context (GRCh38, chr4:16,006,534, plus strand): 5'-AGTCAGCACCCAGTCTCTCTCCTGCATTCCCACTCCCACATGACAGAGAGGAGCAGACAC[T>C]CACACCATGAGGAAGACGCCTCCGGTGTTGGAGACACAGCCTCGGGTGGTCGGGGTGGCA-3'